The following is an entry in ClinVar:

NM_018297.4(NGLY1):c.1516C>T (p.Arg506Ter)

Gene: NGLY1 (N-glycanase 1; minus strand). Cytogenetic location: 3p24.2.
Variant type: single nucleotide variant.
Coding change: c.1516C>T on transcript NM_018297.4 (MANE Select); coding-DNA position 1516, C replaced by T.
Protein change: p.Arg506Ter; replaces arginine 506 with a stop codon.
Molecular consequence: nonsense.
Genome position (GRCh38, 1-based): chr3:25,729,228, G>A on the plus strand (C>T on the coding strand, the complement: NGLY1 is on the minus strand). VCF-style: chr3-25729228-G-A. GRCh37 (hg19) VCF-style: chr3-25770719-G-A.
Other names: c.1462C>T, p.Arg488Ter (NM_001145293.2); c.1390C>T, p.Arg464Ter (NM_001145294.2); c.1516C>T, p.Arg506Ter (NM_001145295.2); short protein forms R488*, R506*, R464*.
Identifiers: ClinVar variation 2805392 (VCV002805392.3), dbSNP rs748353137, ClinGen allele CA2289134.
Genomic context (GRCh38, chr3:25,729,228, plus strand): 5'-ATTCCATTTTCCACACGCCATTCTCCCATCCAGAAATGGTTTGATTGTTATTTGAAACTC[G>A]AACATAACGATCTTTCACAATATTGTAACAAAGGTGGAGCTGTTTAGAAATCTTCTCATT-3'

ClinVar aggregate classification (germline): Pathogenic (1 of 4 stars; one submission).

Conditions:
Congenital disorder of deglycosylation (CDDG). Identifiers: MedGen C3808991, MONDO:0031376.

Allele frequency attached by ClinVar (database versions not stated): ExAC 0.00002.
gnomAD v4.1: 9 of 1,557,622 alleles (0.00058%); highest among the groups gnomAD compares: East Asian, 0.0071%; no homozygotes.

Submission:

Labcorp Genetics (formerly Invitae), Labcorp
Classification: Pathogenic for Congenital disorder of deglycosylation. Last evaluated: 2023-07-22. Review status: criteria provided, single submitter. Criteria: Invitae Variant Classification Sherloc (09022015). Collection method: clinical testing. Allele origin: germline.
Comment: The frequency data for this variant in the population databases is considered unreliable, as metrics indicate poor data quality at this position in the gnomAD database. For these reasons, this variant has been classified as Pathogenic. Algorithms developed to predict the effect of sequence changes on RNA splicing suggest that this variant may disrupt the consensus splice site. This variant has not been reported in the literature in individuals affected with NGLY1-related conditions. This sequence change creates a premature translational stop signal (p.Arg506*) in the NGLY1 gene. It is expected to result in an absent or disrupted protein product. Loss-of-function variants in NGLY1 are known to be pathogenic (PMID: 24651605).

Literature cited by the submitters: PubMed 24651605.